The following is an entry in ClinVar:

ClinVar aggregate classification (germline): Uncertain significance (1 of 4 stars; one submission).

Conditions:
Hereditary cancer-predisposing syndrome. Also called: Tumor predisposition; Hereditary Cancer Syndrome; Hereditary neoplastic syndrome; Neoplastic Syndromes, Hereditary. Identifiers: Orphanet 140162, MedGen C0027672, MeSH D009386, MONDO:0015356.

Submission:

Ambry Genetics
Classification: Uncertain significance for Hereditary cancer-predisposing syndrome. Last evaluated: 2026-02-16. Review status: criteria provided, single submitter. Criteria: Ambry Variant Classification Scheme 2023. Collection method: clinical testing. Allele origin: germline.
Comment: The c.1947-4_1947-3delGCinsAT intronic variant, located in intron 17 of the TSC2 gene, results from the deletion of two nucleotides (GC) and the insertion of two nucleotides (AT) at nucleotide position 1947-4 to 1947-3. This nucleotide region is not well conserved in available vertebrate species. In silico splice site analysis predicts that this alteration will not have any significant effect on splicing. Based on the available evidence, the clinical significance of this variant remains unclear.

NM_000548.5(TSC2):c.1947-4_1947-3delinsAT

Gene: TSC2 (TSC complex subunit 2; plus strand). Cytogenetic location: 16p13.3.
Variant type: Indel.
Coding change: c.1947-4_1947-3delinsAT on transcript NM_000548.5 (MANE Select); 4 bases into the intron before coding-DNA position 1947 through 3 bases into the intron before coding-DNA position 1947, GC replaced by AT.
Molecular consequence: intron variant.
Genome position (GRCh38, 1-based): chr16:2,071,780-2,071,781, GC replaced by AT. VCF-style: chr16-2071780-GC-AT. GRCh37 (hg19) VCF-style: chr16-2121781-GC-AT.
Other names: c.1947-4_1947-3delinsAT (NM_001114382.3, NM_021055.3, NM_001370405.1 and 3 more transcripts); c.1836-4_1836-3delinsAT (NM_001318827.2); c.1347-4_1347-3delinsAT (NM_001318831.2); c.1800-4_1800-3delinsAT (NM_001318829.2); c.1980-4_1980-3delinsAT (NM_001318832.2).
Identifiers: ClinVar variation 1783142 (VCV001783142.3), dbSNP rs2543693186, ClinGen allele CA2580090640.
Genomic context (GRCh38, chr16:2,071,780, plus strand): 5'-GAGCCAAGTCTGTTCCGTTCCTGCTGCGGGGACTTGGCCTCAGCTGCTTCTCTTGCTTCT[GC>AT]AGGGAGCCAGAGAGAGGCTCTGAGAAGAAGACCAGCGGCCCCCTTTCTCCTCCCACAGGG-3'